The following is an entry in ClinVar:

NM_004006.3(DMD):c.10981G>A (p.Glu3661Lys)

Gene: DMD (dystrophin; minus strand). Cytogenetic location: Xp21.2.
Variant type: single nucleotide variant.
Coding change: c.10981G>A on transcript NM_004006.3 (MANE Select); coding-DNA position 10981, G replaced by A.
Protein change: p.Glu3661Lys; replaces glutamic acid 3661 with lysine.
Molecular consequence: missense variant.
Genome position (GRCh38, 1-based): chrX:31,134,135, C>T on the plus strand (G>A on the coding strand, the complement: DMD is on the minus strand). VCF-style: chrX-31134135-C-T. GRCh37 (hg19) VCF-style: chrX-31152252-C-T.
Other names: c.10957G>A, p.Glu3653Lys (NM_000109.4); c.10969G>A, p.Glu3657Lys (NM_004009.3); c.10612G>A, p.Glu3538Lys (NM_004010.3); c.6958G>A, p.Glu2320Lys (NM_004011.4); c.6949G>A, p.Glu2317Lys (NM_004012.4); c.3601G>A, p.Glu1201Lys (NM_004013.3, NM_004021.3); c.2794G>A, p.Glu932Lys (NM_004014.3); c.1777G>A, p.Glu593Lys (NM_004015.3, NM_004016.3); and 3 more; short protein forms E1091K, E1188K, E1201K, E2317K, E2320K, E3538K, E3653K, E3657K.
Identifiers: ClinVar variation 2632653 (VCV002632653.2), dbSNP rs2519231797, ClinGen allele CA412648137.

ClinVar aggregate classification (germline): Uncertain significance (1 of 4 stars; one submission).

Conditions:
DMD-related disorder. Also called: DMD-related condition.

Submission:

PreventionGenetics, part of Exact Sciences
Classification: Uncertain significance for DMD-related condition. Last evaluated: 2025-09-26. Review status: criteria provided, single submitter. Criteria: ACMG Guidelines, 2015. Collection method: clinical testing. Allele origin: germline.
Comment: The DMD c.10981G>A variant is predicted to result in the amino acid substitution p.Glu3661Lys. To our knowledge, this variant has not been reported in the literature or in a large population database, indicating this variant is rare. At this time, the clinical significance of this variant is uncertain due to the absence of conclusive functional and genetic evidence.